The following is an entry in ClinVar:

ClinVar aggregate classification (germline): Likely pathogenic (1 of 4 stars; one submission).

Conditions:
Inborn genetic diseases. Identifiers: MedGen C0950123, MeSH D030342.

Submission:

Ambry Genetics
Classification: Likely pathogenic for Inborn genetic diseases. Last evaluated: 2016-10-12. Review status: criteria provided, single submitter. Criteria: Ambry Variant Classification Scheme 2023. Collection method: clinical testing. Allele origin: germline.
Comment: The p.Y280C variant (also known as c.839A>G), located in coding exon 6 of the KCNQ2 gene, results from an A to G substitution at nucleotide position 839. The tyrosine at codon 280 is replaced by cysteine, an amino acid with highly dissimilar properties. This variant has been determined to be the result of a de novo mutation in one family with an isolated case of early infantile epileptic encephalopathy. This variant was not reported in population based cohorts in the following databases: Database of Single Nucleotide Polymorphisms (dbSNP), NHLBI Exome Sequencing Project (ESP), and 1000 Genomes Project. In the ESP, this variant was not observed in 6503 samples (13006 alleles) with coverage at this position. This amino acid position is located in the selectivity filter of potassium channel and highly conserved in available vertebrate species. In addition, this alteration is predicted to be deleterious by in silico analysis. Based on the majority of available evidence to date, this variant is likely to be pathogenic.

NM_172107.4(KCNQ2):c.839A>G (p.Tyr280Cys)

Gene: KCNQ2 (potassium voltage-gated channel subfamily Q member 2; minus strand). Cytogenetic location: 20q13.33.
Variant type: single nucleotide variant.
Coding change: c.839A>G on transcript NM_172107.4 (MANE Select); coding-DNA position 839, A replaced by G.
Protein change: p.Tyr280Cys; replaces tyrosine 280 with cysteine.
Molecular consequence: missense variant.
Genome position (GRCh38, 1-based): chr20:63,439,686, T>C on the plus strand (A>G on the coding strand, the complement: KCNQ2 is on the minus strand). VCF-style: chr20-63439686-T-C. GRCh37 (hg19) VCF-style: chr20-62071039-T-C.
Other names: c.839A>G, p.Tyr280Cys (NM_004518.6, NM_172106.3, NM_172108.5 and 1 more transcripts); short protein forms Y280C.
Identifiers: ClinVar variation 589856 (VCV000589856.5), dbSNP rs1568927820, ClinGen allele CA409652704.